The following is an entry in ClinVar:

NM_020911.2(PLXNA4):c.960C>T (p.Ala320=)

Gene: PLXNA4 (plexin A4; minus strand). Cytogenetic location: 7q32.3.
Variant type: single nucleotide variant.
Coding change: c.960C>T on transcript NM_020911.2 (MANE Select); coding-DNA position 960, C replaced by T.
Protein change: p.Ala320=; no amino-acid change (alanine 320 retained).
Molecular consequence: synonymous variant.
Genome position (GRCh38, 1-based): chr7:132,507,734, G>A on the plus strand (C>T on the coding strand, the complement: PLXNA4 is on the minus strand). VCF-style: chr7-132507734-G-A. GRCh37 (hg19) VCF-style: chr7-132192493-G-A.
Other names: c.960C>T, p.Ala320= (NM_001105543.2, NM_001393897.1, NM_181775.4).
Identifiers: ClinVar variation 3036428 (VCV003036428.2), dbSNP rs373053257, ClinGen allele CA4490407.

ClinVar aggregate classification (germline): Likely benign (0 of 4 stars; one submission).

Conditions:
PLXNA4-related disorder. Also called: PLXNA4-related condition.

Allele frequency attached by ClinVar (database versions not stated): TOPMed 0.00006; gnomAD exomes 0.00007; ESP Exome Variant Server 0.00008; gnomAD 0.00010; ExAC 0.00014.
gnomAD v4.1: 120 of 1,614,012 alleles (0.0074%); highest among the groups gnomAD compares: Middle Eastern, 0.016%; 1 homozygote.

Submission:

PreventionGenetics, part of Exact Sciences
Classification: Likely benign for PLXNA4-related condition. Last evaluated: 2022-12-20. Review status: no assertion criteria provided. Collection method: clinical testing. Allele origin: germline.
Comment: This variant is classified as likely benign based on ACMG/AMP sequence variant interpretation guidelines (Richards et al. 2015 PMID: 25741868, with internal and published modifications).